The following is an entry in ClinVar:

ClinVar aggregate classification (germline): Conflicting classifications of pathogenicity. Review status: criteria provided, conflicting classifications (1 of 4 stars). 6 submissions from 6 submitters: Uncertain significance (5); Likely benign (1). Last evaluated 2025-09-24.

Conditions:
Hereditary nonpolyposis colorectal neoplasms. Identifiers: MedGen C0009405, MeSH D003123.
Hereditary cancer-predisposing syndrome. Also called: Neoplastic Syndromes, Hereditary; Tumor predisposition; Hereditary Cancer Syndrome; Hereditary neoplastic syndrome. Identifiers: Orphanet 140162, MedGen C0027672, MeSH D009386, MONDO:0015356.
Lynch syndrome. Identifiers: Orphanet 144, MedGen C4552100, MONDO:0005835. Disease mechanism: loss of function.
Endometrial carcinoma. Also called: Endometrial carcinoma, somatic. Identifiers: MedGen C0476089, MONDO:0002447, OMIM 608089, HP:0012114.

Allele frequency attached by ClinVar (database versions not stated): gnomAD 0.00001; TOPMed 0.00001; gnomAD exomes 0.00002.
gnomAD v4.1: 36 of 1,612,512 alleles (0.0022%); highest among the groups gnomAD compares: Non-Finnish European, 0.0031%; no homozygotes.

Submissions (6):

Labcorp Genetics (formerly Invitae), Labcorp
Classification: Likely benign for Hereditary nonpolyposis colorectal neoplasms. Last evaluated: 2025-09-24. Review status: criteria provided, single submitter. Criteria: Invitae Variant Classification Sherloc (09022015). Collection method: clinical testing. Allele origin: germline.

Ambry Genetics
Classification: Uncertain significance for Hereditary cancer-predisposing syndrome. Last evaluated: 2025-09-01. Review status: criteria provided, single submitter. Criteria: Ambry Variant Classification Scheme 2023. Collection method: clinical testing. Allele origin: germline.

GeneDx
Classification: Uncertain significance. Last evaluated: 2024-12-04. Review status: criteria provided, single submitter. Criteria: GeneDx Variant Classification Process June 2021. Collection method: clinical testing. Allele origin: germline. Affected: yes.
Comment: Not observed at significant frequency in large population cohorts (gnomAD); In silico analysis indicates that this missense variant does not alter protein structure/function; Has not been previously published as pathogenic or benign to our knowledge; This variant is associated with the following publications: (PMID: 12019211, 17531815, 21120944)

All of Us Research Program, National Institutes of Health
Classification: Uncertain significance for Lynch syndrome. Last evaluated: 2024-07-10. Review status: criteria provided, single submitter. Criteria: ACMG Guidelines, 2015. Collection method: clinical testing. Allele origin: germline. Inheritance: Autosomal dominant inheritance. Observed: 2 variant alleles, 2 heterozygotes.
Comment: This missense variant replaces leucine with proline at codon 1354 of the MSH6 protein. Computational prediction is inconclusive regarding the impact of this variant on protein structure and function (internally defined REVEL score threshold 0.5 < inconclusive < 0.7, PMID: 27666373). To our knowledge, functional studies have not been reported for this variant. This variant has not been reported in individuals affected with MSH6-related disorders in the literature. This variant has been identified in 1/31234 chromosomes in the general population by the Genome Aggregation Database (gnomAD). The available evidence is insufficient to determine the role of this variant in disease conclusively. Therefore, this variant is classified as a Variant of Uncertain Significance.

This study involves interpretation of variants in research participants for the purpose of population health screening. Participant phenotype was not available at the time of variant classification. Additional details can be found in publication PMID: 35346344, PMCID: PMC8962531

Color Diagnostics, LLC DBA Color Health
Classification: Uncertain significance for Hereditary cancer-predisposing syndrome. Last evaluated: 2024-06-13. Review status: criteria provided, single submitter. Criteria: ACMG Guidelines, 2015. Collection method: clinical testing. Allele origin: germline.
Comment: This missense variant replaces leucine with proline at codon 1354 of the MSH6 protein. Computational prediction is inconclusive regarding the impact of this variant on protein structure and function (internally defined REVEL score threshold 0.5 < inconclusive < 0.7, PMID: 27666373). To our knowledge, functional studies have not been reported for this variant. This variant has not been reported in individuals affected with MSH6-related disorders in the literature. This variant has been identified in 1/31234 chromosomes in the general population by the Genome Aggregation Database (gnomAD). The available evidence is insufficient to determine the role of this variant in disease conclusively. Therefore, this variant is classified as a Variant of Uncertain Significance.

Baylor Genetics
Classification: Uncertain significance for Endometrial carcinoma. Last evaluated: 2023-11-02. Review status: criteria provided, single submitter. Criteria: ACMG Guidelines, 2015. Collection method: clinical testing. Allele origin: unknown.

NM_000179.3(MSH6):c.4061T>C (p.Leu1354Pro)

Gene: MSH6 (mutS homolog 6; plus strand). Cytogenetic location: 2p16.3.
Variant type: single nucleotide variant.
Coding change: c.4061T>C on transcript NM_000179.3 (MANE Select); coding-DNA position 4061, T replaced by C.
Protein change: p.Leu1354Pro; replaces leucine 1354 with proline.
Molecular consequence: missense variant.
Genome position (GRCh38, 1-based): chr2:47,806,838, T>C. VCF-style: chr2-47806838-T-C. GRCh37 (hg19) VCF-style: chr2-48033977-T-C.
Other names: c.3671T>C, p.Leu1224Pro (NM_001281492.2); c.3155T>C, p.Leu1052Pro (NM_001281493.2, NM_001281494.2); short protein forms L1354P, L1052P, L1224P.
Identifiers: ClinVar variation 140947 (VCV000140947.27), dbSNP rs267608140, ClinGen allele CA015365.